The following is an entry in ClinVar:

NM_198904.4(GABRG2):c.952C>G (p.Leu318Val)

Gene: GABRG2 (gamma-aminobutyric acid type A receptor subunit gamma2; plus strand). Cytogenetic location: 5q34.
Variant type: single nucleotide variant.
Coding change: c.952C>G on transcript NM_198904.4 (MANE Select); coding-DNA position 952, C replaced by G.
Protein change: p.Leu318Val; replaces leucine 318 with valine.
Molecular consequence: missense variant. On other transcripts: intron variant (1).
Genome position (GRCh38, 1-based): chr5:162,149,137, C>G. VCF-style: chr5-162149137-C-G. GRCh37 (hg19) VCF-style: chr5-161576143-C-G.
Other names: c.952C>G, p.Leu318Val (NM_000816.3); c.943C>G, p.Leu315Val (NM_001375339.1); c.949C>G, p.Leu317Val (NM_001375341.1, NM_001375342.1); c.1072C>G, p.Leu358Val (NM_001375343.1, NM_198903.2); c.991C>G, p.Leu331Val (NM_001375344.1); c.886C>G, p.Leu296Val (NM_001375345.1, NM_001375346.1); c.865C>G, p.Leu289Val (NM_001375347.1); c.532C>G, p.Leu178Val (NM_001375348.1, NM_001375350.1); and 2 more; short protein forms L358V, L318V, L178V, L223V, L289V, L296V, L315V, L317V.
Identifiers: ClinVar variation 566916 (VCV000566916.8), dbSNP rs1561660795, ClinGen allele CA362182356.

ClinVar aggregate classification (germline): Uncertain significance (1 of 4 stars; one submission).

Conditions:
EPILEPSY, CHILDHOOD ABSENCE, SUSCEPTIBILITY TO, 2 (ECA2). Identifiers: Orphanet 64280, MedGen C1843244, OMIM 607681.
Febrile seizures, familial, 8 (FEB8). Also called: CONVULSIONS, FAMILIAL FEBRILE, 8. Identifiers: Orphanet 36387, MedGen C1969810, MONDO:0011891, OMIM 607681.

Submission:

Labcorp Genetics (formerly Invitae), Labcorp
Classification: Uncertain significance for Febrile seizures, familial, 8; EPILEPSY, CHILDHOOD ABSENCE, SUSCEPTIBILITY TO, 2. Last evaluated: 2018-12-12. Review status: criteria provided, single submitter. Criteria: Invitae Variant Classification Sherloc (09022015). Collection method: clinical testing. Allele origin: germline.
Comment: This variant is not present in population databases (ExAC no frequency). This sequence change replaces leucine with valine at codon 318 of the GABRG2 protein (p.Leu318Val). The leucine residue is highly conserved and there is a small physicochemical difference between leucine and valine. This variant has not been reported in the literature in individuals with GABRG2-related disease. In summary, the available evidence is currently insufficient to determine the role of this variant in disease. Therefore, it has been classified as a Variant of Uncertain Significance. Algorithms developed to predict the effect of missense changes on protein structure and function (SIFT, PolyPhen-2, Align-GVGD) all suggest that this variant is likely to be disruptive, but these predictions have not been confirmed by published functional studies and their clinical significance is uncertain.